The following is an entry in ClinVar:

ClinVar aggregate classification (germline): Likely benign (1 of 4 stars; one submission).

Allele frequency attached by ClinVar (database versions not stated): 1000 Genomes Project 0.00020; 1000 Genomes Project 30x 0.00031; gnomAD exomes 0.00087 and 0.00108; gnomAD 0.00092 and 0.00094; ExAC 0.01064.
gnomAD v4.1: 194 of 198,748 alleles (0.098%); highest among the groups gnomAD compares: Middle Eastern, 0.45%; no homozygotes.

Submission:

CeGaT Center for Human Genetics Tuebingen
Classification: Likely benign. Last evaluated: 2026-01-01. Review status: criteria provided, single submitter. Criteria: CeGaT Center For Human Genetics Tuebingen Variant Classification Criteria Version 2. Collection method: clinical testing. Allele origin: germline. Affected: yes. Observed: 7 variant alleles.
Comment: TNFRSF1A: BS1

NM_001065.4(TNFRSF1A):c.552-1031G>A

Gene: TNFRSF1A (TNF receptor superfamily member 1A; minus strand). Cytogenetic location: 12p13.31.
Variant type: single nucleotide variant.
Coding change: c.552-1031G>A on transcript NM_001065.4 (MANE Select); 1031 bases into the intron before coding-DNA position 552, G replaced by A.
Molecular consequence: intron variant. On other transcripts: missense variant (1).
Genome position (GRCh38, 1-based): chr12:6,331,957, C>T on the plus strand (G>A on the coding strand, the complement: TNFRSF1A is on the minus strand). VCF-style: chr12-6331957-C-T. GRCh37 (hg19) VCF-style: chr12-6441123-C-T.
Other names: c.11G>A, p.Arg4His (NM_001346092.2); c.228-1031G>A (NM_001346091.2); short protein forms R4H.
Identifiers: ClinVar variation 1694654 (VCV001694654.31), dbSNP rs547305263, ClinGen allele CA6405470.